The following is an entry in ClinVar:

NM_001375.3(DNASE2):c.625G>T (p.Glu209Ter)

Gene: DNASE2 (deoxyribonuclease 2, lysosomal; minus strand). Cytogenetic location: 19p13.13.
Variant type: single nucleotide variant.
Coding change: c.625G>T on transcript NM_001375.3 (MANE Select); coding-DNA position 625, G replaced by T.
Protein change: p.Glu209Ter; replaces glutamic acid 209 with a stop codon.
Molecular consequence: nonsense.
Genome position (GRCh38, 1-based): chr19:12,878,466, C>A on the plus strand (G>T on the coding strand, the complement: DNASE2 is on the minus strand). VCF-style: chr19-12878466-C-A. GRCh37 (hg19) VCF-style: chr19-12989280-C-A.
Other names: short protein forms E209*.
Identifiers: ClinVar variation 2077853 (VCV002077853.4), dbSNP rs2512549395, ClinGen allele CA404298915.
Genomic context (GRCh38, chr19:12,878,466, plus strand): 5'-CAAAGCTCTGGAAAACAGCCCCGGCCTGGGATGTGAGTGTGATGCTGCTGTTCCAGGGTT[C>A]TTGGCTAACGTGGTGGCCCTTGACCACATTCTCCAAGTCGGGGAATTCCTGGGCAAAGAT-3'

ClinVar aggregate classification (germline): Uncertain significance (1 of 4 stars; one submission).

Allele frequency attached by ClinVar (database versions not stated): gnomAD exomes below 0.00001.

Submission:

Labcorp Genetics (formerly Invitae), Labcorp
Classification: Uncertain significance. Last evaluated: 2022-01-10. Review status: criteria provided, single submitter. Criteria: Invitae Variant Classification Sherloc (09022015). Collection method: clinical testing. Allele origin: germline.
Comment: This variant is not present in population databases (gnomAD no frequency). This sequence change creates a premature translational stop signal (p.Glu209*) in the DNASE2 gene. It is expected to result in an absent or disrupted protein product. However, the current clinical and genetic evidence is not sufficient to establish whether loss-of-function variants in DNASE2 cause disease. In summary, the available evidence is currently insufficient to determine the role of this variant in disease. Therefore, it has been classified as a Variant of Uncertain Significance. This variant has not been reported in the literature in individuals affected with DNASE2-related conditions.